The following is an entry in ClinVar:

NM_014000.3(VCL):c.2543A>G (p.Asp848Gly)

Gene: VCL (vinculin; plus strand). Cytogenetic location: 10q22.2.
Variant type: single nucleotide variant.
Coding change: c.2543A>G on transcript NM_014000.3 (MANE Select); coding-DNA position 2543, A replaced by G.
Protein change: p.Asp848Gly; replaces aspartic acid 848 with glycine.
Molecular consequence: missense variant.
Genome position (GRCh38, 1-based): chr10:74,107,338, A>G. VCF-style: chr10-74107338-A-G. GRCh37 (hg19) VCF-style: chr10-75867096-A-G.
Other names: c.2543A>G, p.Asp848Gly (NM_003373.4); short protein forms D848G.
Identifiers: ClinVar variation 645059 (VCV000645059.7), dbSNP rs960105711, ClinGen allele CA209695501.
Genomic context (GRCh38, chr10:74,107,338, plus strand): 5'-TGGCCAAGGTCAGAGAAGCCTTCCAACCTCAGGAGCCTGACTTCCCGCCGCCTCCACCAG[A>G]CCTTGAACAACTCCGAGTAAGTAAATTCAGATATGCAGAGAATTGAGCAGGAAGGTGTTG-3'
Protein context (NP_054706.1, residues 838-858): QEPDFPPPPP[Asp848Gly]LEQLRLTDEL

ClinVar aggregate classification (germline): Uncertain significance (1 of 4 stars; one submission).

Conditions:
Dilated cardiomyopathy 1W (CMD1W). Identifiers: Orphanet 154, MedGen C1969639, MONDO:0012667, OMIM 611407.

Allele frequency attached by ClinVar (database versions not stated): gnomAD exomes below 0.00001; gnomAD 0.00001; TOPMed 0.00002.
gnomAD v4.1: 6 of 1,614,070 alleles (0.00037%); highest among the groups gnomAD compares: Non-Finnish European, 0.00051%; no homozygotes.

Submission:

Labcorp Genetics (formerly Invitae), Labcorp
Classification: Uncertain significance for Dilated cardiomyopathy 1W. Last evaluated: 2025-08-29. Review status: criteria provided, single submitter. Criteria: Invitae Variant Classification Sherloc (09022015). Collection method: clinical testing. Allele origin: germline.
Comment: This sequence change replaces aspartic acid, which is acidic and polar, with glycine, which is neutral and non-polar, at codon 848 of the VCL protein (p.Asp848Gly). This variant is not present in population databases (gnomAD no frequency). This variant has not been reported in the literature in individuals affected with VCL-related conditions. ClinVar contains an entry for this variant (Variation ID: 645059). An algorithm developed to predict the effect of missense changes on protein structure and function (PolyPhen-2) suggests that this variant is likely to be disruptive. In summary, the available evidence is currently insufficient to determine the role of this variant in disease. Therefore, it has been classified as a Variant of Uncertain Significance.